The following is an entry in ClinVar:

ClinVar aggregate classification (germline): Uncertain significance (1 of 4 stars; one submission).

Allele frequency attached by ClinVar (database versions not stated): gnomAD exomes below 0.00001; ExAC 0.00001; gnomAD 0.00001; 1000 Genomes Project 0.00020; 1000 Genomes Project 30x 0.00031.
gnomAD v4.1: 3 of 1,614,018 alleles (0.00019%); highest among the groups gnomAD compares: East Asian, 0.0022%; no homozygotes.

Submission:

Labcorp Genetics (formerly Invitae), Labcorp
Classification: Uncertain significance. Last evaluated: 2023-12-11. Review status: criteria provided, single submitter. Criteria: Invitae Variant Classification Sherloc (09022015). Collection method: clinical testing. Allele origin: germline.
Comment: This sequence change replaces glycine, which is neutral and non-polar, with aspartic acid, which is acidic and polar, at codon 680 of the MKL1 protein (p.Gly680Asp). This variant is present in population databases (rs570919578, gnomAD 0.006%). This variant has not been reported in the literature in individuals affected with MKL1-related conditions. ClinVar contains an entry for this variant (Variation ID: 1682964). An algorithm developed to predict the effect of missense changes on protein structure and function (PolyPhen-2) suggests that this variant is likely to be tolerated. In summary, the available evidence is currently insufficient to determine the role of this variant in disease. Therefore, it has been classified as a Variant of Uncertain Significance.

NM_020831.6(MRTFA):c.2339G>A (p.Gly780Asp)

Gene: MRTFA (myocardin related transcription factor A; minus strand). Cytogenetic location: 22q13.1.
Variant type: single nucleotide variant.
Coding change: c.2339G>A on transcript NM_020831.6 (MANE Select); coding-DNA position 2339, G replaced by A.
Protein change: p.Gly780Asp; replaces glycine 780 with aspartic acid.
Molecular consequence: missense variant.
Genome position (GRCh38, 1-based): chr22:40,418,399, C>T on the plus strand (G>A on the coding strand, the complement: MRTFA is on the minus strand). VCF-style: chr22-40418399-C-T. GRCh37 (hg19) VCF-style: chr22-40814403-C-T.
Other names: c.2039G>A, p.Gly680Asp (NM_001282660.2); c.2189G>A, p.Gly730Asp (NM_001282661.3); c.2339G>A, p.Gly780Asp (NM_001282662.3); c.2144G>A, p.Gly715Asp (NM_001318139.2); short protein forms G680D, G715D, G730D, G780D.
Identifiers: ClinVar variation 1682964 (VCV001682964.8), dbSNP rs570919578, ClinGen allele CA10249366.